The following is an entry in ClinVar:

ClinVar aggregate classification (germline): Uncertain significance (1 of 4 stars; one submission).

Conditions:
SEMA3B-related disorder. Also called: SEMA3B-related condition.

Allele frequency attached by ClinVar (database versions not stated): gnomAD 0.00001.
gnomAD v4.1: 1 of 1,549,472 alleles (0.000065%); highest among the groups gnomAD compares: African/African-American, 0.0014%; no homozygotes.

Submission:

PreventionGenetics, part of Exact Sciences
Classification: Uncertain significance for SEMA3B-related condition. Last evaluated: 2023-06-28. Review status: criteria provided, single submitter. Criteria: ACMG Guidelines, 2015. Collection method: clinical testing. Allele origin: germline.
Comment: The SEMA3B c.1256C>T variant is predicted to result in the amino acid substitution p.Pro419Leu. To our knowledge, this variant has not been reported in the literature. This variant is reported in 0.011% of alleles in individuals of African descent in gnomAD. At this time, the clinical significance of this variant is uncertain due to the absence of conclusive functional and genetic evidence.

NM_001290060.2(SEMA3B):c.1241C>T (p.Pro414Leu)

Gene: SEMA3B (semaphorin 3B; plus strand). Cytogenetic location: 3p21.31.
Variant type: single nucleotide variant.
Coding change: c.1241C>T on transcript NM_001290060.2 (MANE Select); coding-DNA position 1241, C replaced by T.
Protein change: p.Pro414Leu; replaces proline 414 with leucine.
Molecular consequence: missense variant. On other transcripts: non-coding transcript variant (1).
Genome position (GRCh38, 1-based): chr3:50,274,466, C>T. VCF-style: chr3-50274466-C-T. GRCh37 (hg19) VCF-style: chr3-50311897-C-T.
Other names: c.1238C>T, p.Pro413Leu (NM_001005914.3); c.1256C>T, p.Pro419Leu (NM_001290061.1); c.212C>T, p.Pro71Leu (NM_001290062.2, NM_001290063.2); c.1241C>T, p.Pro414Leu (NM_004636.4); short protein forms P413L, P414L, P419L, P71L.
Identifiers: ClinVar variation 2628509 (VCV002628509.1), dbSNP rs1553706107, ClinGen allele CA352915323.